The following is an entry in ClinVar:

NM_001190274.2(FBXO11):c.170C>A (p.Pro57His)

Genes: FBXO11 (F-box protein 11; minus strand), LOC100506235 (uncharacterized LOC100506235; plus strand). Cytogenetic location: 2p16.3.
Variant type: single nucleotide variant.
Coding change: c.170C>A on transcript NM_001190274.2 (MANE Select); coding-DNA position 170, C replaced by A.
Protein change: p.Pro57His; replaces proline 57 with histidine.
Molecular consequence: missense variant.
Genome position (GRCh38, 1-based): chr2:47,905,551, G>T on the plus strand (C>A on the coding strand, the complement: FBXO11 is on the minus strand). VCF-style: chr2-47905551-G-T. GRCh37 (hg19) VCF-style: chr2-48132690-G-T.
Other names: short protein forms P57H.
Identifiers: ClinVar variation 1392187 (VCV001392187.8), dbSNP rs1475488188, ClinGen allele CA346812584.

ClinVar aggregate classification (germline): Uncertain significance (1 of 4 stars; one submission).

Allele frequency attached by ClinVar (database versions not stated): gnomAD 0.00003.
gnomAD v4.1: 39 of 1,239,632 alleles (0.0031%); highest among the groups gnomAD compares: Non-Finnish European, 0.0037%; no homozygotes.

Submission:

Labcorp Genetics (formerly Invitae), Labcorp
Classification: Uncertain significance. Last evaluated: 2024-01-24. Review status: criteria provided, single submitter. Criteria: Invitae Variant Classification Sherloc (09022015). Collection method: clinical testing. Allele origin: germline.
Comment: This sequence change replaces proline, which is neutral and non-polar, with histidine, which is basic and polar, at codon 57 of the FBXO11 protein (p.Pro57His). This variant is not present in population databases (gnomAD no frequency). This variant has not been reported in the literature in individuals affected with FBXO11-related conditions. ClinVar contains an entry for this variant (Variation ID: 1392187). Experimental studies and prediction algorithms are not available or were not evaluated, and the functional significance of this variant is currently unknown. In summary, the available evidence is currently insufficient to determine the role of this variant in disease. Therefore, it has been classified as a Variant of Uncertain Significance.